The following is an entry in ClinVar:

ClinVar aggregate classification (germline): Benign/Likely benign. Review status: criteria provided, multiple submitters, no conflicts (2 of 4 stars). 3 submissions from 3 submitters: Benign (1); Likely benign (2). Last evaluated 2026-01-15.

Conditions:
Hereditary cancer-predisposing syndrome. Also called: Tumor predisposition; Neoplastic Syndromes, Hereditary; Hereditary Cancer Syndrome; Hereditary neoplastic syndrome. Identifiers: Orphanet 140162, MedGen C0027672, MeSH D009386, MONDO:0015356.
Tuberous sclerosis 2 (TSC2). Identifiers: Orphanet 805, MedGen C1860707, MONDO:0013199, OMIM 613254.

Submissions (3):

Labcorp Genetics (formerly Invitae), Labcorp
Classification: Likely benign for Tuberous sclerosis 2. Last evaluated: 2026-01-15. Review status: criteria provided, single submitter. Criteria: Invitae Variant Classification Sherloc (09022015). Collection method: clinical testing. Allele origin: germline.

Myriad Genetics, Inc.
Classification: Benign for Tuberous sclerosis 2. Last evaluated: 2025-06-02. Review status: criteria provided, single submitter. Criteria: Myriad Autosomal Dominant, Autosomal Recessive and X-Linked Classification Criteria (2023). Collection method: clinical testing. Allele origin: unknown.
Comment: This variant is considered benign. This variant is a silent/synonymous amino acid change and it is not expected to impact splicing.

Ambry Genetics
Classification: Likely benign for Hereditary cancer-predisposing syndrome. Last evaluated: 2023-05-19. Review status: criteria provided, single submitter. Criteria: Ambry Variant Classification Scheme 2023. Collection method: clinical testing. Allele origin: germline.

NM_000548.5(TSC2):c.4056G>A (p.Leu1352=)

Gene: TSC2 (TSC complex subunit 2; plus strand). Cytogenetic location: 16p13.3.
Variant type: single nucleotide variant.
Coding change: c.4056G>A on transcript NM_000548.5 (MANE Select); coding-DNA position 4056, G replaced by A.
Protein change: p.Leu1352=; no amino-acid change (leucine 1352 retained).
Molecular consequence: synonymous variant.
Genome position (GRCh38, 1-based): chr16:2,084,278, G>A. VCF-style: chr16-2084278-G-A. GRCh37 (hg19) VCF-style: chr16-2134279-G-A.
Other names: c.3855G>A, p.Leu1285= (NM_001077183.3); c.3987G>A, p.Leu1329= (NM_001114382.3); c.3747G>A, p.Leu1249= (NM_001318827.2); c.3711G>A, p.Leu1237= (NM_001318829.2); c.3324G>A, p.Leu1108= (NM_001318831.2); c.3888G>A, p.Leu1296= (NM_001318832.2); c.3858G>A, p.Leu1286= (NM_001363528.2); c.3924G>A, p.Leu1308= (NM_001370404.1); and 1 more.
Identifiers: ClinVar variation 413648 (VCV000413648.13), dbSNP rs772309833, ClinGen allele CA16614740.